The following is an entry in ClinVar:

ClinVar aggregate classification (germline): Pathogenic (0 of 4 stars; one submission).

Submission:

Quest Diagnostics Nichols Institute San Juan Capistrano
Classification: Pathogenic. Last evaluated: 2021-03-01. Review status: no assertion criteria provided. Collection method: clinical testing. Allele origin: germline.
Comment: This Xp22.33p22.31 terminal deletion involves several genes in pseudoautosomal region including SHOX (OMIM 312865) and multiple X-linked genes including ARSE (OMIM 300180). It is expected to cause phenotypic and/or developmental abnormalities. The phenotypic spectrum of SHOX deficiency disorders, caused by haploinsufficiency of the SHOX gene via full/partial gene deletions and loss-of-function variants, ranges from Leri-Weill dyschondrosteosis (LWD; OMIM 127300) at the severe end of the spectrum to idiopathic familial short stature (OMIM 300582) at the mild end of the spectrum in both females and males. The phenotype of short stature caused by SHOX deficiency (in the absence of mesomelia and Madelung deformity) is highly variable, even within the same family (GeneReviews.). The classic clinical triad in LWD is short stature, mesomelia, and Madelung deformity. The penetrance of SHOX deficiency is high, but its clinical expression is highly variable, becoming more pronounced with age and being more severe in females. Most cases with SHOX haploinsufficiency are familial. Further, haploinsufficiency of ARSE via partial/full gene deletions and loss-of-function sequence variants has been associated with X-linked chondrodysplasia punctata in males (CDPX1; OMIM 302950). Affected carrier females of CDPX1 have not been described. Moreover, similar deletions of Xp22.33p22.31 have been reported in several patients with a common phenotype including intellectual disability, developmental delay, short stature, facial dysmorphism, autistic features, and/or short stature (Diociaiuti et al., Exp Dermatol. 2019 Oct;28(10):1156-1163. PMID: 29672931; Wayhelova et al., BMC Med Genomics. 2019 Jul 23;12(1):111. PMID: 31337399). In addition, altered X-inactivation may impact the phenotype of an X-chromosome structural abnormality in a female. This deletion also includes other genes associated with OMIM phenotypes: NLGN4X (OMIM 300495 and 300497), CSF2RA (OMIM 300770), and SHOX (OMIM 249700).

GRCh37/hg19 Xp22.33-22.31(chrX:168546-6449837)x0

Genes: ARSD (arylsulfatase D; minus strand), ARSD-AS1 (ARSD antisense RNA 1; plus strand), ARSF (arylsulfatase F; plus strand), ARSH (arylsulfatase family member H; plus strand), ARSL (arylsulfatase L; minus strand) and 5 more. Cytogenetic location: Xp22.33-22.31.
Variant type: copy number loss.
Change: copy number 0 of chrX:168,546-6,449,837 (6.28 Mb, GRCh37 coordinates, 1-based), cytogenetic band Xp22.33-22.31.
Identifiers: ClinVar variation 1339979 (VCV001339979.1).